The following is an entry in ClinVar:

ClinVar aggregate classification (germline): Uncertain significance. Review status: criteria provided, multiple submitters, no conflicts (2 of 4 stars). 2 submissions from 2 submitters: Uncertain significance (2). Last evaluated 2024-10-17.

Conditions:
Kostmann syndrome (SCN3). Also called: Autosomal recessive severe congenital neutropenia type 3; KOSTMANN DISEASE. Identifiers: Orphanet 99749, MedGen C5235141, MONDO:0012548, OMIM 610738.
Inborn genetic diseases. Identifiers: MedGen C0950123, MeSH D030342.

Submissions (2):

Ambry Genetics
Classification: Uncertain significance for Inborn genetic diseases. Last evaluated: 2024-10-17. Review status: criteria provided, single submitter. Criteria: Ambry Variant Classification Scheme 2023. Collection method: clinical testing. Allele origin: germline.
Comment: The p.D5A variant (also known as c.14A>C), located in coding exon 1 of the HAX1 gene, results from an A to C substitution at nucleotide position 14. The aspartic acid at codon 5 is replaced by alanine, an amino acid with dissimilar properties. This amino acid position is conserved. In addition, this alteration is predicted to be deleterious by in silico analysis. Based on the available evidence, the clinical significance of this variant remains unclear.

Labcorp Genetics (formerly Invitae), Labcorp
Classification: Uncertain significance for Kostmann syndrome. Last evaluated: 2021-08-30. Review status: criteria provided, single submitter. Criteria: Invitae Variant Classification Sherloc (09022015). Collection method: clinical testing. Allele origin: germline.
Comment: This sequence change replaces aspartic acid with alanine at codon 5 of the HAX1 protein (p.Asp5Ala). The aspartic acid residue is moderately conserved and there is a moderate physicochemical difference between aspartic acid and alanine. This variant is present in population databases (rs747374340, ExAC 0.002%). This variant has not been reported in the literature in individuals affected with HAX1-related conditions. Algorithms developed to predict the effect of missense changes on protein structure and function are either unavailable or do not agree on the potential impact of this missense change (SIFT: "Deleterious"; PolyPhen-2: "Probably Damaging"; Align-GVGD: "Class C0"). In summary, the available evidence is currently insufficient to determine the role of this variant in disease. Therefore, it has been classified as a Variant of Uncertain Significance.

NM_006118.4(HAX1):c.14A>C (p.Asp5Ala)

Gene: HAX1 (HCLS1 associated protein X-1; plus strand). Cytogenetic location: 1q21.3.
Variant type: single nucleotide variant.
Coding change: c.14A>C on transcript NM_006118.4 (MANE Select); coding-DNA position 14, A replaced by C.
Protein change: p.Asp5Ala; replaces aspartic acid 5 with alanine.
Molecular consequence: missense variant.
Genome position (GRCh38, 1-based): chr1:154,272,737, A>C. VCF-style: chr1-154272737-A-C. GRCh37 (hg19) VCF-style: chr1-154245213-A-C.
Other names: c.14A>C, p.Asp5Ala (NM_001018837.2); short protein forms D5A.
Identifiers: ClinVar variation 476636 (VCV000476636.5), dbSNP rs747374340, ClinGen allele CA1127208.